The following is an entry in ClinVar:

NM_002470.4(MYH3):c.1234G>A (p.Val412Ile)

Gene: MYH3 (myosin heavy chain 3; minus strand). Cytogenetic location: 17p13.1.
Variant type: single nucleotide variant.
Coding change: c.1234G>A on transcript NM_002470.4 (MANE Select); coding-DNA position 1234, G replaced by A.
Protein change: p.Val412Ile; replaces valine 412 with isoleucine.
Molecular consequence: missense variant.
Genome position (GRCh38, 1-based): chr17:10,644,610, C>T on the plus strand (G>A on the coding strand, the complement: MYH3 is on the minus strand). VCF-style: chr17-10644610-C-T. GRCh37 (hg19) VCF-style: chr17-10547927-C-T.
Other names: short protein forms V412I.
Identifiers: ClinVar variation 2772150 (VCV002772150.3), dbSNP rs775429039, ClinGen allele CA8393052.

ClinVar aggregate classification (germline): Uncertain significance (1 of 4 stars; one submission).

Allele frequency attached by ClinVar (database versions not stated): ExAC 0.00001; gnomAD 0.00001; gnomAD exomes 0.00001; TOPMed 0.00001.
gnomAD v4.1: 20 of 1,614,006 alleles (0.0012%); highest among the groups gnomAD compares: Admixed American, 0.0017%; no homozygotes.

Submission:

Labcorp Genetics (formerly Invitae), Labcorp
Classification: Uncertain significance. Last evaluated: 2024-01-18. Review status: criteria provided, single submitter. Criteria: Invitae Variant Classification Sherloc (09022015). Collection method: clinical testing. Allele origin: germline.
Comment: This sequence change replaces valine, which is neutral and non-polar, with isoleucine, which is neutral and non-polar, at codon 412 of the MYH3 protein (p.Val412Ile). This variant is present in population databases (rs775429039, gnomAD 0.002%). This variant has not been reported in the literature in individuals affected with MYH3-related conditions. Advanced modeling of protein sequence and biophysical properties (such as structural, functional, and spatial information, amino acid conservation, physicochemical variation, residue mobility, and thermodynamic stability) performed at Invitae indicates that this missense variant is not expected to disrupt MYH3 protein function with a negative predictive value of 95%. In summary, the available evidence is currently insufficient to determine the role of this variant in disease. Therefore, it has been classified as a Variant of Uncertain Significance.